The following continues an entry in ClinVar:

NM_001267550.2(TTN):c.107576T>C (p.Met35859Thr)

ClinVar aggregate classification (germline): Conflicting classifications of pathogenicity. Uncertain significance (2); Benign (14); Likely benign (5).

Submissions 16 to 26 of 26:

Illumina Laboratory Services, Illumina
Classification: Uncertain significance for Early-onset myopathy with fatal cardiomyopathy. Last evaluated: 2017-04-27. Review status: criteria provided, single submitter. Criteria: ICSL Variant Classification Criteria 13 December 2019. Collection method: clinical testing. Allele origin: germline.

Illumina Laboratory Services, Illumina
Classification: Benign for Myopathy, myofibrillar, 9, with early respiratory failure. Last evaluated: 2017-04-27. Review status: criteria provided, single submitter. Criteria: ICSL Variant Classification Criteria 13 December 2019. Collection method: clinical testing. Allele origin: germline.
Comment: This variant was observed as part of a predisposition screen in an ostensibly healthy population. A literature search was performed for the gene, cDNA change, and amino acid change (where applicable). Publications were found based on this search. The evidence from the literature, in combination with allele frequency data from public databases where available, was sufficient to rule this variant out of causing disease. Therefore, this variant is classified as benign.

GeneDx
Classification: Benign. Last evaluated: 2016-08-16. Review status: criteria provided, single submitter. Criteria: GeneDx Variant Classification (06012015). Collection method: clinical testing. Allele origin: germline. Affected: yes.
Comment: This variant is considered likely benign or benign based on one or more of the following criteria: it is a conservative change, it occurs at a poorly conserved position in the protein, it is predicted to be benign by multiple in silico algorithms, and/or has population frequency not consistent with disease.

Eurofins Ntd Llc (ga)
Classification: Likely benign. Last evaluated: 2016-08-02. Review status: criteria provided, single submitter. Criteria: EGL Classification Definitions 2015. Collection method: clinical testing. Allele origin: germline. Observed: 2 variant alleles, 2 heterozygotes.

Biesecker Lab/Clinical Genomics Section, National Institutes of Health
Classification: Likely benign. Last evaluated: 2013-06-24. Review status: criteria provided, single submitter. Criteria: Ng et al. (Circ Cardiovasc Genet. 2013). Collection method: research. Allele origin: unknown. Observed: 3 variant alleles. Study: ClinSeq.
Comment: The study set was not selected for affection status in relation to any cancer. Pathogenicity categories were based on literature curation. See Pubmed ID:23861362 for details.

Medical sequencing

Genetics and Genomics Program, Sidra Medicine
Classification: Likely benign for Primary dilated cardiomyopathy. Review status: criteria provided, single submitter. Criteria: ACMG Guidelines, 2015. Collection method: research. Allele origin: unknown. Affected: yes. Observed: 1 variant allele.

PreventionGenetics, part of Exact Sciences
Classification: Benign for TTN-related condition. Last evaluated: 2021-05-19. Review status: no assertion criteria provided. Collection method: clinical testing. Allele origin: germline. Not counted in ClinVar's aggregate classification.
Comment: This variant is classified as benign based on ACMG/AMP sequence variant interpretation guidelines (Richards et al. 2015 PMID: 25741868, with internal and published modifications).

Clinical Genetics DNA and cytogenetics Diagnostics Lab, Erasmus MC, Erasmus Medical Center
Classification: Likely benign. Review status: no assertion criteria provided. Collection method: clinical testing. Allele origin: germline. Affected: yes. Study: VKGL Data-share Consensus. Not counted in ClinVar's aggregate classification.

Clinical Genetics, Academic Medical Center
Classification: Benign. Review status: no assertion criteria provided. Collection method: clinical testing. Allele origin: germline. Affected: yes. Study: VKGL Data-share Consensus. Not counted in ClinVar's aggregate classification.

Genome Diagnostics Laboratory, University Medical Center Utrecht
Classification: Likely benign. Review status: no assertion criteria provided. Collection method: clinical testing. Allele origin: germline. Affected: yes. Study: VKGL Data-share Consensus. Not counted in ClinVar's aggregate classification.

Laboratory of Diagnostic Genome Analysis, Leiden University Medical Center (LUMC)
Classification: Likely benign. Review status: no assertion criteria provided. Collection method: clinical testing. Allele origin: germline. Affected: yes. Study: VKGL Data-share Consensus. Not counted in ClinVar's aggregate classification.

Literature cited by the submitters: PubMed 33232181 (cited by Mayo Clinic Laboratories, Mayo Clinic); PubMed 21810661 (cited by 3 submitters); PubMed 23299917 (cited by Athena Diagnostics); PubMed 24055113 (cited by Athena Diagnostics); PubMed 25214167 (cited by Athena Diagnostics); PubMed 27194543 (cited by Athena Diagnostics); PubMed 23861362 (cited by Illumina Laboratory Services, Illumina).